The following is an entry in ClinVar:

ClinVar aggregate classification (germline): Uncertain significance (1 of 4 stars; one submission).

Conditions:
Kabuki syndrome. Also called: NIIKAWA-KUROKI SYNDROME; Kabuki make-up syndrome. Identifiers: Orphanet 2322, MedGen C0796004, MONDO:0016512.

gnomAD v4.1: 11 of 1,607,244 alleles (0.00068%); highest among the groups gnomAD compares: Non-Finnish European, 0.00094%; no homozygotes.

Submission:

Labcorp Genetics (formerly Invitae), Labcorp
Classification: Uncertain significance for Kabuki syndrome. Last evaluated: 2025-08-26. Review status: criteria provided, single submitter. Criteria: Invitae Variant Classification Sherloc (09022015). Collection method: clinical testing. Allele origin: germline.
Comment: This sequence change replaces glycine, which is neutral and non-polar, with glutamic acid, which is acidic and polar, at codon 2264 of the KMT2D protein (p.Gly2264Glu). This variant is not present in population databases (gnomAD no frequency). This variant has not been reported in the literature in individuals affected with KMT2D-related conditions. Invitae Evidence Modeling of protein sequence and biophysical properties (such as structural, functional, and spatial information, amino acid conservation, physicochemical variation, residue mobility, and thermodynamic stability) indicates that this missense variant is not expected to disrupt KMT2D protein function with a negative predictive value of 95%. In summary, the available evidence is currently insufficient to determine the role of this variant in disease. Therefore, it has been classified as a Variant of Uncertain Significance.

NM_003482.4(KMT2D):c.6791G>A (p.Gly2264Glu)

Gene: KMT2D (lysine methyltransferase 2D; minus strand). Cytogenetic location: 12q13.12.
Variant type: single nucleotide variant.
Coding change: c.6791G>A on transcript NM_003482.4 (MANE Select); coding-DNA position 6791, G replaced by A.
Protein change: p.Gly2264Glu; replaces glycine 2264 with glutamic acid.
Molecular consequence: missense variant.
Genome position (GRCh38, 1-based): chr12:49,040,979, C>T on the plus strand (G>A on the coding strand, the complement: KMT2D is on the minus strand). VCF-style: chr12-49040979-C-T. GRCh37 (hg19) VCF-style: chr12-49434762-C-T.
Other names: short protein forms G2264E.
Identifiers: ClinVar variation 4798160 (VCV004798160.1).